The following is an entry in ClinVar:

ClinVar aggregate classification (germline): Uncertain significance (1 of 4 stars; one submission).

Conditions:
Cerebral folate transport deficiency. Also called: FOLATE RECEPTOR DEFICIENCY; NEURODEGENERATION DUE TO CEREBRAL FOLATE TRANSPORT DEFICIENCY; FOLR1-Related Cerebral Folate Transport Deficiency; Cerebral folate deficiency syndrome; Neurodegenerative syndrome due to cerebral folate transport deficiency. Identifiers: Orphanet 217382, MedGen C2751584, MONDO:0013110, OMIM 613068. Disease mechanism: loss of function.

Submission:

Igenomix - Part of Vitrolife Group, Igenomix
Classification: Uncertain significance for Cerebral folate transport deficiency. Review status: criteria provided, single submitter. Criteria: ACMG Guidelines, 2015. Collection method: clinical testing. Allele origin: germline. Inheritance: Autosomal recessive inheritance. Affected: no. Observed: 2 variant alleles.
Comment: The FOLR1 variant (NM_016729.3:c.242T>G, p.Leu81Arg) replaces an amino acid Leucine with Arginine. The in silico tools predicted that this missense change may have a deleterious effect on the protein (Aggregated Prediction: Deleterious (0.86)). This variant is absent in the gnomAD v4.1.0 (PM2). Based on the evidence outlined above, the variant was classified as a variant of uncertain significance (PM2, PP3_Mod).

NM_016729.3(FOLR1):c.242T>G (p.Leu81Arg)

Genes: FOLR1 (folate receptor alpha; plus strand), FOLR1-AS1 (FOLR1 antisense RNA 1; minus strand). Cytogenetic location: 11q13.4.
Variant type: single nucleotide variant.
Coding change: c.242T>G on transcript NM_016729.3 (MANE Select); coding-DNA position 242, T replaced by G.
Protein change: p.Leu81Arg; replaces leucine 81 with arginine.
Molecular consequence: missense variant.
Genome position (GRCh38, 1-based): chr11:72,195,344, T>G. VCF-style: chr11-72195344-T-G. GRCh37 (hg19) VCF-style: chr11-71906388-T-G.
Other names: c.242T>G, p.Leu81Arg (NM_016725.3, NM_000802.3, NM_016724.3); short protein forms L81R.
Identifiers: ClinVar variation 3336670 (VCV003336670.1).